The following is an entry in ClinVar:

ClinVar aggregate classification (germline): Conflicting classifications of pathogenicity. Review status: criteria provided, conflicting classifications (1 of 4 stars). 4 submissions from 4 submitters: Uncertain significance (3); Likely benign (1). Last evaluated 2026-03-31.

Conditions:
CRYM-related disorder. Also called: CRYM-related condition.

Allele frequency attached by ClinVar (database versions not stated): TOPMed 0.00022; ExAC 0.00027; ESP Exome Variant Server 0.00041.
gnomAD v4.1: 244 of 1,545,012 alleles (0.016%); highest among the groups gnomAD compares: Non-Finnish European, 0.019%; no homozygotes.

Submissions (4):

PreventionGenetics, part of Exact Sciences
Classification: Uncertain significance for CRYM-related condition. Last evaluated: 2026-03-31. Review status: criteria provided, single submitter. Criteria: ACMG Guidelines, 2015. Collection method: clinical testing. Allele origin: germline.
Comment: The CRYM c.168G>C variant is predicted to result in the amino acid substitution p.Arg56Ser. To our knowledge, this variant has not been reported in the literature. This variant is reported in 0.023% of alleles in individuals of European (Non-Finnish) descent in gnomAD. Although we suspect that this variant may be benign, at this time, the clinical significance of this variant is uncertain due to the absence of conclusive functional and genetic evidence.

Labcorp Genetics (formerly Invitae), Labcorp
Classification: Uncertain significance. Last evaluated: 2025-09-23. Review status: criteria provided, single submitter. Criteria: Invitae Variant Classification Sherloc (09022015). Collection method: clinical testing. Allele origin: germline.
Comment: This sequence change replaces arginine, which is basic and polar, with serine, which is neutral and polar, at codon 56 of the CRYM protein (p.Arg56Ser). This variant is present in population databases (rs143848148, gnomAD 0.02%). This variant has not been reported in the literature in individuals affected with CRYM-related conditions. ClinVar contains an entry for this variant (Variation ID: 668622). An algorithm developed to predict the effect of missense changes on protein structure and function outputs the following: PolyPhen-2: "Benign". The serine amino acid residue is found in multiple mammalian species, which suggests that this missense change does not adversely affect protein function. In summary, the available evidence is currently insufficient to determine the role of this variant in disease. Therefore, it has been classified as a Variant of Uncertain Significance.

Ambry Genetics
Classification: Uncertain significance. Last evaluated: 2024-10-24. Review status: criteria provided, single submitter. Criteria: Ambry Variant Classification Scheme 2023. Collection method: clinical testing. Allele origin: germline.

GeneDx
Classification: Likely benign. Last evaluated: 2021-03-24. Review status: criteria provided, single submitter. Criteria: GeneDx Variant Classification Process June 2021. Collection method: clinical testing. Allele origin: germline. Affected: yes.

NM_001376256.1(CRYM):c.168G>C (p.Arg56Ser)

Genes: CRYM (crystallin mu; minus strand), LOC130058620 (ATAC-STARR-seq lymphoblastoid active region 10553; plus strand). Cytogenetic location: 16p12.2.
Variant type: single nucleotide variant.
Coding change: c.168G>C on transcript NM_001376256.1 (MANE Select); coding-DNA position 168, G replaced by C.
Protein change: p.Arg56Ser; replaces arginine 56 with serine.
Molecular consequence: missense variant.
Genome position (GRCh38, 1-based): chr16:21,278,084, C>G on the plus strand (G>C on the coding strand, the complement: CRYM is on the minus strand). VCF-style: chr16-21278084-C-G. GRCh37 (hg19) VCF-style: chr16-21289405-C-G.
Other names: c.168G>C, p.Arg56Ser (NM_001888.5); c.168G>C (NM_001888.3); short protein forms R56S.
Identifiers: ClinVar variation 668622 (VCV000668622.10), dbSNP rs143848148, ClinGen allele CA7950815.